The following is an entry in ClinVar:

NM_001113491.2(SEPTIN9):c.1531A>C (p.Lys511Gln)

Gene: SEPTIN9 (septin 9; plus strand). Cytogenetic location: 17q25.3.
Variant type: single nucleotide variant.
Coding change: c.1531A>C on transcript NM_001113491.2 (MANE Select); coding-DNA position 1531, A replaced by C.
Protein change: p.Lys511Gln; replaces lysine 511 with glutamine.
Molecular consequence: missense variant.
Genome position (GRCh38, 1-based): chr17:77,493,034, A>C. VCF-style: chr17-77493034-A-C. GRCh37 (hg19) VCF-style: chr17-75489116-A-C.
Other names: c.778A>C, p.Lys260Gln (NM_001293698.2, NM_001113495.2, NM_001113496.2 and 1 more transcripts); c.1477A>C, p.Lys493Gln (NM_006640.5); c.1039A>C, p.Lys347Gln (NM_001113492.2, NM_001113494.1); c.1510A>C, p.Lys504Gln (NM_001113493.2); c.1474A>C, p.Lys492Gln (NM_001293695.2); c.859A>C, p.Lys287Gln (NM_001293696.2); short protein forms K260Q, K287Q, K347Q, K492Q, K493Q, K504Q, K511Q.
Identifiers: ClinVar variation 1682670 (VCV001682670.7), dbSNP rs768075619, ClinGen allele CA8793833.

ClinVar aggregate classification (germline): Uncertain significance (1 of 4 stars; one submission).

Allele frequency attached by ClinVar (database versions not stated): gnomAD 0.00001; gnomAD exomes 0.00001 and below 0.00001; TOPMed 0.00001.
gnomAD v4.1: 8 of 1,569,050 alleles (0.00051%); highest among the groups gnomAD compares: East Asian, 0.017%; no homozygotes.

Submission:

Labcorp Genetics (formerly Invitae), Labcorp
Classification: Uncertain significance. Last evaluated: 2025-10-20. Review status: criteria provided, single submitter. Criteria: Invitae Variant Classification Sherloc (09022015). Collection method: clinical testing. Allele origin: germline.
Comment: This sequence change replaces lysine, which is basic and polar, with glutamine, which is neutral and polar, at codon 493 of the SEPT9 protein (p.Lys493Gln). This variant is present in population databases (rs768075619, gnomAD 0.02%). This variant has not been reported in the literature in individuals affected with SEPT9-related conditions. ClinVar contains an entry for this variant (Variation ID: 1682670). Invitae Evidence Modeling of protein sequence and biophysical properties (such as structural, functional, and spatial information, amino acid conservation, physicochemical variation, residue mobility, and thermodynamic stability) indicates that this missense variant is not expected to disrupt SEPT9 protein function with a negative predictive value of 80%. In summary, the available evidence is currently insufficient to determine the role of this variant in disease. Therefore, it has been classified as a Variant of Uncertain Significance.